The following is an entry in ClinVar:

NM_015693.4(INTU):c.2507A>G (p.His836Arg)

Gene: INTU (inturned planar cell polarity protein; plus strand). Cytogenetic location: 4q28.1.
Variant type: single nucleotide variant.
Coding change: c.2507A>G on transcript NM_015693.4 (MANE Select); coding-DNA position 2507, A replaced by G.
Protein change: p.His836Arg; replaces histidine 836 with arginine.
Molecular consequence: missense variant.
Genome position (GRCh38, 1-based): chr4:127,711,050, A>G. VCF-style: chr4-127711050-A-G. GRCh37 (hg19) VCF-style: chr4-128632205-A-G.
Other names: short protein forms H836R.
Identifiers: ClinVar variation 4704771 (VCV004704771.1).

ClinVar aggregate classification (germline): Uncertain significance (1 of 4 stars; one submission).

gnomAD v4.1: 1 of 1,609,246 alleles (0.000062%); highest among the groups gnomAD compares: African/African-American, 0.0013%; no homozygotes.

Submission:

Labcorp Genetics (formerly Invitae), Labcorp
Classification: Uncertain significance. Last evaluated: 2025-10-21. Review status: criteria provided, single submitter. Criteria: Invitae Variant Classification Sherloc (09022015). Collection method: clinical testing. Allele origin: germline.
Comment: This sequence change replaces histidine, which is basic and polar, with arginine, which is basic and polar, at codon 836 of the INTU protein (p.His836Arg). This variant is present in population databases (rs767058548, gnomAD 0.007%). This variant has not been reported in the literature in individuals affected with INTU-related conditions. Invitae Evidence Modeling of protein sequence and biophysical properties (such as structural, functional, and spatial information, amino acid conservation, physicochemical variation, residue mobility, and thermodynamic stability) indicates that this missense variant is not expected to disrupt INTU protein function with a negative predictive value of 80%. In summary, the available evidence is currently insufficient to determine the role of this variant in disease. Therefore, it has been classified as a Variant of Uncertain Significance.